The following is an entry in ClinVar:

NM_001042492.3(NF1):c.5170C>G (p.Gln1724Glu)

Gene: NF1 (neurofibromin 1; plus strand). Cytogenetic location: 17q11.2.
Variant type: single nucleotide variant.
Coding change: c.5170C>G on transcript NM_001042492.3 (MANE Select); coding-DNA position 5170, C replaced by G.
Protein change: p.Gln1724Glu; replaces glutamine 1724 with glutamic acid.
Molecular consequence: missense variant.
Genome position (GRCh38, 1-based): chr17:31,326,154, C>G. VCF-style: chr17-31326154-C-G. GRCh37 (hg19) VCF-style: chr17-29653172-C-G.
Other names: c.5107C>G, p.Gln1703Glu (NM_000267.4); short protein forms Q1703E, Q1724E.
Identifiers: ClinVar variation 1431287 (VCV001431287.9), dbSNP rs1567611587, ClinGen allele CA399007904.

ClinVar aggregate classification (germline): Uncertain significance. Review status: criteria provided, multiple submitters, no conflicts (2 of 4 stars). 2 submissions from 2 submitters: Uncertain significance (2). Last evaluated 2025-07-09.

Conditions:
Cardiovascular phenotype. Identifiers: MedGen CN230736.
Hereditary cancer-predisposing syndrome. Also called: Neoplastic Syndromes, Hereditary; Hereditary Cancer Syndrome; Tumor predisposition; Hereditary neoplastic syndrome. Identifiers: Orphanet 140162, MedGen C0027672, MeSH D009386, MONDO:0015356.
Neurofibromatosis, type 1 (NF1). Also called: Peripheral type neurofibromatosis; VON RECKLINGHAUSEN DISEASE; NEUROFIBROMATOSIS, TYPE I, SOMATIC; Neurofibromatosis, type I. Identifiers: Orphanet 636, MedGen C0027831, MONDO:0018975, OMIM 162200. Disease mechanism: loss of function.

Submissions (2):

Labcorp Genetics (formerly Invitae), Labcorp
Classification: Uncertain significance for Neurofibromatosis, type 1. Last evaluated: 2025-07-09. Review status: criteria provided, single submitter. Criteria: Invitae Variant Classification Sherloc (09022015). Collection method: clinical testing. Allele origin: germline.
Comment: This sequence change replaces glutamine, which is neutral and polar, with glutamic acid, which is acidic and polar, at codon 1703 of the NF1 protein (p.Gln1703Glu). This variant is not present in population databases (gnomAD no frequency). This variant has not been reported in the literature in individuals affected with NF1-related conditions. ClinVar contains an entry for this variant (Variation ID: 1431287). Invitae Evidence Modeling of protein sequence and biophysical properties (such as structural, functional, and spatial information, amino acid conservation, physicochemical variation, residue mobility, and thermodynamic stability) indicates that this missense variant is expected to disrupt NF1 protein function with a positive predictive value of 95%. In summary, the available evidence is currently insufficient to determine the role of this variant in disease. Therefore, it has been classified as a Variant of Uncertain Significance.

Ambry Genetics
Classification: Uncertain significance for Cardiovascular phenotype; Hereditary cancer-predisposing syndrome. Last evaluated: 2025-04-01. Review status: criteria provided, single submitter. Criteria: Ambry Variant Classification Scheme 2023. Collection method: clinical testing. Allele origin: germline.
Comment: The p.Q1703E variant (also known as c.5107C>G), located in coding exon 36 of the NF1 gene, results from a C to G substitution at nucleotide position 5107. The glutamine at codon 1703 is replaced by glutamic acid, an amino acid with highly similar properties. This amino acid position is conserved. In addition, the in silico prediction for this alteration is inconclusive. Based on the available evidence, the clinical significance of this variant remains unclear.